The following is an entry in ClinVar:

NM_006180.6(NTRK2):c.982A>C (p.Lys328Gln)

Gene: NTRK2 (neurotrophic receptor tyrosine kinase 2; plus strand). Cytogenetic location: 9q21.33.
Variant type: single nucleotide variant.
Coding change: c.982A>C on transcript NM_006180.6 (MANE Select); coding-DNA position 982, A replaced by C.
Protein change: p.Lys328Gln; replaces lysine 328 with glutamine.
Molecular consequence: missense variant.
Genome position (GRCh38, 1-based): chr9:84,727,782, A>C. VCF-style: chr9-84727782-A-C. GRCh37 (hg19) VCF-style: chr9-87342697-A-C.
Other names: c.982A>C, p.Lys328Gln (NM_001007097.3, NM_001018064.3, NM_001018065.2 and 16 more transcripts); c.943A>C, p.Lys315Gln (NM_001291937.2, NM_001369546.1); c.514A>C, p.Lys172Gln (NM_001369535.1, NM_001369536.1, NM_001369550.1 and 2 more transcripts); short protein forms K328Q, K172Q, K315Q.
Identifiers: ClinVar variation 1482935 (VCV001482935.8), dbSNP rs201032414, ClinGen allele CA5105609.
Genomic context (GRCh38, chr9:84,727,782, plus strand): 5'-AAAGGCAACCCCAAACCAGCGCTTCAGTGGTTCTATAACGGGGCAATATTGAATGAGTCC[A>C]AATACATCTGTACTAAAATACATGTTACCAATCACACGGAGTACCACGGCTGCCTCCAGC-3'
Protein context (NP_006171.2, residues 318-338): FYNGAILNES[Lys328Gln]YICTKIHVTN

ClinVar aggregate classification (germline): Uncertain significance (1 of 4 stars; one submission).

Allele frequency attached by ClinVar (database versions not stated): gnomAD 0.00001; gnomAD exomes 0.00001 and 0.00005; ExAC 0.00002; TOPMed 0.00002; ESP Exome Variant Server 0.00008.
gnomAD v4.1: 80 of 1,614,132 alleles (0.005%); highest among the groups gnomAD compares: Non-Finnish European, 0.0065%; no homozygotes.

Submission:

Labcorp Genetics (formerly Invitae), Labcorp
Classification: Uncertain significance. Last evaluated: 2026-01-18. Review status: criteria provided, single submitter. Criteria: Invitae Variant Classification Sherloc (09022015). Collection method: clinical testing. Allele origin: germline.
Comment: This sequence change replaces lysine, which is basic and polar, with glutamine, which is neutral and polar, at codon 328 of the NTRK2 protein (p.Lys328Gln). This variant is present in population databases (rs201032414, gnomAD 0.003%). This variant has not been reported in the literature in individuals affected with NTRK2-related conditions. ClinVar contains an entry for this variant (Variation ID: 1482935). Invitae Evidence Modeling of protein sequence and biophysical properties (such as structural, functional, and spatial information, amino acid conservation, physicochemical variation, residue mobility, and thermodynamic stability) indicates that this missense variant is not expected to disrupt NTRK2 protein function with a negative predictive value of 80%. In summary, the available evidence is currently insufficient to determine the role of this variant in disease. Therefore, it has been classified as a Variant of Uncertain Significance.